The following is an entry in ClinVar:

ClinVar aggregate classification (germline): Pathogenic (1 of 4 stars; one submission).

Conditions:
Polycystic kidney disease 4 (PKD4). Also called: POLYCYSTIC KIDNEY AND HEPATIC DISEASE 1; POLYCYSTIC KIDNEY DISEASE, INFANTILE, TYPE I; POLYCYSTIC KIDNEY DISEASE 4 WITH OR WITHOUT POLYCYSTIC LIVER DISEASE; PKD3; Autosomal Recessive Polycystic Kidney Disease – PKHD1. Identifiers: MedGen C4540575, MONDO:0033004, OMIM 263200.

Submission:

Myriad Genetics, Inc.
Classification: Pathogenic for Polycystic kidney disease 4. Last evaluated: 2023-08-10. Review status: criteria provided, single submitter. Criteria: Myriad Autosomal Dominant, Autosomal Recessive and X-Linked Classification Criteria (2023). Collection method: clinical testing. Allele origin: unknown.
Comment: NM_138694.3(PKHD1):c.6261_6262ins17(K2088Vfs*29) is expected to be pathogenic in the context of autosomal recessive polycystic kidney disease, PKHD1-related. This variant is predicted to lead to an abnormal or absent protein product due to the creation of a premature termination codon in PKHD1, a gene where loss-of-function variants are known to be pathogenic. Please note: this variant was assessed in the context of healthy population screening.

NM_138694.4(PKHD1):c.6261_6262insGTCGTCTGTGAGTGTCG (p.Lys2088fs)

Gene: PKHD1 (PKHD1 ciliary IPT domain containing fibrocystin/polyductin; minus strand). Cytogenetic location: 6p12.2.
Variant type: Insertion.
Coding change: c.6261_6262insGTCGTCTGTGAGTGTCG on transcript NM_138694.4 (MANE Select); coding-DNA positions 6261 to 6262, GTCGTCTGTGAGTGTCG inserted.
Protein change: p.Lys2088fs; shifts the reading frame from lysine 2088.
Molecular consequence: frameshift variant.
Genome position: GRCh38 VCF-style: chr6-51912436-T-TCGACACTCACAGACGAC. GRCh37 (hg19) VCF-style: chr6-51777234-T-TCGACACTCACAGACGAC.
Other names: c.6261_6262insGTCGTCTGTGAGTGTCG, p.Lys2088fs (NM_170724.3); short protein forms K2088fs.
Identifiers: ClinVar variation 5011301 (VCV005011301.1).